The following is an entry in ClinVar:

ClinVar aggregate classification (germline): Uncertain significance (1 of 4 stars; one submission).

Conditions:
Epidermolysis bullosa simplex 5B, with muscular dystrophy (EBS5B). Also called: Epidermolysis bullosa simplex with muscular dystrophy; EPIDERMOLYSIS BULLOSA SIMPLEX AND LIMB-GIRDLE MUSCULAR DYSTROPHY. Identifiers: Orphanet 257, MedGen C2931072, MONDO:0009181, OMIM 226670.
Epidermolysis bullosa simplex 5C, with pyloric atresia (EBS5C). Also called: PLEC-Related Epidermolysis Bullosa with Pyloric Atresia; Epidermolysis bullosa simplex with pyloric atresia; PLEC1-Related Epidermolysis Bullosa with Pyloric Atresia. Identifiers: Orphanet 158684, MedGen C2677349, MONDO:0012807, OMIM 612138.
Epidermolysis bullosa simplex with nail dystrophy (EBS5D). Identifiers: MedGen C4225309, MONDO:0014661, OMIM 616487.
Epidermolysis bullosa simplex, Ogna type (EBS5A). Also called: Pidermolysis bullosa simplex 5A, Ogna type; EPIDERMOLYSIS BULLOSA SIMPLEX 5A, OGNA TYPE. Identifiers: Orphanet 79401, MedGen C0432317, MONDO:0007555, OMIM 131950.
Autosomal recessive limb-girdle muscular dystrophy type 2Q (LGMDR17). Also called: MUSCULAR DYSTROPHY, LIMB-GIRDLE, AUTOSOMAL RECESSIVE 17. Identifiers: Orphanet 254361, MedGen C3150989, MONDO:0013390, OMIM 613723.

gnomAD v4.1: 1 of 1,584,522 alleles (0.000063%); highest among the groups gnomAD compares: Non-Finnish European, 0.000086%; no homozygotes.

Submission:

Labcorp Genetics (formerly Invitae), Labcorp
Classification: Uncertain significance for Autosomal recessive limb-girdle muscular dystrophy type 2Q; Epidermolysis bullosa simplex, Ogna type; Epidermolysis bullosa simplex with nail dystrophy; Epidermolysis bullosa simplex 5C, with pyloric atresia; Epidermolysis bullosa simplex 5B, with muscular dystrophy. Last evaluated: 2022-09-13. Review status: criteria provided, single submitter. Criteria: Invitae Variant Classification Sherloc (09022015). Collection method: clinical testing. Allele origin: germline.
Comment: This sequence change replaces glutamine, which is neutral and polar, with glutamic acid, which is acidic and polar, at codon 2556 of the PLEC protein (p.Gln2556Glu). This variant is not present in population databases (gnomAD no frequency). This variant has not been reported in the literature in individuals affected with PLEC-related conditions. Advanced modeling of protein sequence and biophysical properties (such as structural, functional, and spatial information, amino acid conservation, physicochemical variation, residue mobility, and thermodynamic stability) performed at Invitae indicates that this missense variant is not expected to disrupt PLEC protein function. In summary, the available evidence is currently insufficient to determine the role of this variant in disease. Therefore, it has been classified as a Variant of Uncertain Significance.

NM_201384.3(PLEC):c.7585C>G (p.Gln2529Glu)

Gene: PLEC (plectin; minus strand). Cytogenetic location: 8q24.3.
Variant type: single nucleotide variant.
Coding change: c.7585C>G on transcript NM_201384.3 (MANE Select); coding-DNA position 7585, C replaced by G.
Protein change: p.Gln2529Glu; replaces glutamine 2529 with glutamic acid.
Molecular consequence: missense variant.
Genome position (GRCh38, 1-based): chr8:143,922,236, G>C on the plus strand (C>G on the coding strand, the complement: PLEC is on the minus strand). VCF-style: chr8-143922236-G-C. GRCh37 (hg19) VCF-style: chr8-144996404-G-C.
Other names: c.7666C>G, p.Gln2556Glu (NM_000445.5); c.4285C>G, p.Gln1429Glu (NM_001410941.1); c.7543C>G, p.Gln2515Glu (NM_201378.4); c.7519C>G, p.Gln2507Glu (NM_201379.3); c.7996C>G, p.Gln2666Glu (NM_201380.4); c.7489C>G, p.Gln2497Glu (NM_201381.3); c.7585C>G, p.Gln2529Glu (NM_201382.4); c.7597C>G, p.Gln2533Glu (NM_201383.3); short protein forms Q1429E, Q2497E, Q2515E, Q2507E, Q2529E, Q2556E, Q2533E, Q2666E.
Identifiers: ClinVar variation 2004269 (VCV002004269.4), dbSNP rs1554688999, ClinGen allele CA372524226.
Genomic context (GRCh38, chr8:143,922,236, plus strand): 5'-CCAGCCGCTGCCGTTCCTGCTCCATCTGCTGCTGCTGCCGCTGCTGCTCCTCACGCAGCT[G>C]CTGTGCCTTGGCCACCTCGTCCTGGAAGAGCTGCTCCAGCTTGGCCTTCTCCTGCTCGAT-3'
Protein context (NP_958786.1, residues 2519-2539): LFQDEVAKAQ[Gln2529Glu]LREEQQRQQQ